The following is an entry in ClinVar:

ClinVar aggregate classification (germline): Uncertain significance (1 of 4 stars; one submission).

Conditions:
Inborn genetic diseases. Identifiers: MedGen C0950123, MeSH D030342.

Submission:

Ambry Genetics
Classification: Uncertain significance for Inborn genetic diseases. Last evaluated: 2025-06-28. Review status: criteria provided, single submitter. Criteria: Ambry Variant Classification Scheme 2023. Collection method: clinical testing. Allele origin: germline.
Comment: The p.R289S variant (also known as c.867G>T), located in coding exon 6 of the MECOM gene, results from a G to T substitution at nucleotide position 867. The arginine at codon 289 is replaced by serine, an amino acid with dissimilar properties. This amino acid position is conserved. In addition, the in silico prediction for this alteration is inconclusive. Based on the available evidence, the clinical significance of this variant remains unclear.

NM_004991.4(MECOM):c.867G>T (p.Arg289Ser)

Gene: MECOM (MDS1 and EVI1 complex locus; minus strand). Cytogenetic location: 3q26.2.
Variant type: single nucleotide variant.
Coding change: c.867G>T on transcript NM_004991.4 (MANE Select); coding-DNA position 867, G replaced by T.
Protein change: p.Arg289Ser; replaces arginine 289 with serine.
Molecular consequence: missense variant.
Genome position (GRCh38, 1-based): chr3:169,122,691, C>A on the plus strand (G>T on the coding strand, the complement: MECOM is on the minus strand). VCF-style: chr3-169122691-C-A. GRCh37 (hg19) VCF-style: chr3-168840479-C-A.
Other names: c.495G>T, p.Arg165Ser (NM_001105077.4); c.303G>T, p.Arg101Ser (NM_001105078.4, NM_001163999.2, NM_001164000.2 and 9 more transcripts); c.867G>T, p.Arg289Ser (NM_001366466.2, NM_001366473.2); short protein forms R101S, R165S, R289S.
Identifiers: ClinVar variation 4105740 (VCV004105740.1).